The following is an entry in ClinVar:

ClinVar aggregate classification (germline): Conflicting classifications of pathogenicity. Review status: criteria provided, conflicting classifications (1 of 4 stars). 5 submissions from 5 submitters: Uncertain significance (4); Likely benign (1). Last evaluated 2026-05-06.

Conditions:
Cerebral arteriopathy, autosomal dominant, with subcortical infarcts and leukoencephalopathy, type 1 (CADASIL1). Also called: DEMENTIA, HEREDITARY MULTIINFARCT TYPE; CADASIL 1; CASIL; Cerebral arteriopathy with subcortical infarcts and leukoencephalopathy 1. Identifiers: Orphanet 136, MedGen C4551768, MONDO:0000914, OMIM 125310.

Allele frequency attached by ClinVar (database versions not stated): gnomAD exomes 0.00003; gnomAD 0.00004 and 0.00005; ExAC 0.00005; TOPMed 0.00007.
gnomAD v4.1: 224 of 1,602,954 alleles (0.014%); highest among the groups gnomAD compares: Non-Finnish European, 0.018%; 1 homozygote.

Submissions (5):

Women's Health and Genetics/Laboratory Corporation of America, LabCorp
Classification: Uncertain significance. Last evaluated: 2026-05-06. Review status: criteria provided, single submitter. Criteria: LabCorp Variant Classification Summary - May 2015. Collection method: clinical testing. Allele origin: germline.
Comment: Variant summary: NOTCH3 c.3806G>T (p.Gly1269Val) results in a non-conservative amino acid change in the encoded protein sequence. Algorithms developed to predict the effect of missense changes on protein structure and function are either unavailable or do not agree on the potential impact of this missense change. The variant allele was found at a frequency of 3.1e-05 in 228544 control chromosomes. The available data on variant occurrences in the general population are insufficient to allow any conclusion about variant significance. To our knowledge, no occurrence of c.3806G>T in individuals affected with NOTCH3-related conditions and no experimental evidence demonstrating its impact on protein function have been reported. ClinVar contains an entry for this variant (Variation ID: 1335332). Based on the evidence outlined above, the variant was classified as uncertain significance.

Mayo Clinic Laboratories, Mayo Clinic
Classification: Likely benign. Last evaluated: 2025-10-17. Review status: criteria provided, single submitter. Criteria: ACMG Guidelines, 2015. Collection method: clinical testing. Allele origin: germline. Observed: 1 variant allele.
Comment: BS2, BP1

CeGaT Center for Human Genetics Tuebingen
Classification: Uncertain significance. Last evaluated: 2023-08-01. Review status: criteria provided, single submitter. Criteria: CeGaT Center For Human Genetics Tuebingen Variant Classification Criteria Version 2. Collection method: clinical testing. Allele origin: germline. Affected: yes. Observed: 3 variant alleles.
Comment: NOTCH3: PP2

Labcorp Genetics (formerly Invitae), Labcorp
Classification: Uncertain significance. Last evaluated: 2023-06-15. Review status: criteria provided, single submitter. Criteria: Invitae Variant Classification Sherloc (09022015). Collection method: clinical testing. Allele origin: germline.
Comment: In summary, the available evidence is currently insufficient to determine the role of this variant in disease. Therefore, it has been classified as a Variant of Uncertain Significance. Advanced modeling of protein sequence and biophysical properties (such as structural, functional, and spatial information, amino acid conservation, physicochemical variation, residue mobility, and thermodynamic stability) performed at Invitae indicates that this missense variant is not expected to disrupt NOTCH3 protein function. ClinVar contains an entry for this variant (Variation ID: 1335332). This variant has not been reported in the literature in individuals affected with NOTCH3-related conditions. This variant is present in population databases (rs781401262, gnomAD 0.009%). This sequence change replaces glycine, which is neutral and non-polar, with valine, which is neutral and non-polar, at codon 1269 of the NOTCH3 protein (p.Gly1269Val).

Molecular Genetics, Royal Melbourne Hospital
Classification: Uncertain significance for Cerebral arteriopathy, autosomal dominant, with subcortical infarcts and leukoencephalopathy, type 1. Last evaluated: 2022-09-05. Review status: criteria provided, single submitter. Criteria: ACMG Guidelines, 2015. Collection method: clinical testing. Allele origin: germline.
Comment: This sequence change in NOTCH3 is predicted to replace glycine with valine at codon 1269, p.(Gly1269Val). The glycine residue is moderately conserved (100 vertebrates, UCSC), and is located in the EGF-like domain repeat 32. There is a large physicochemical difference between glycine and valine. The highest population minor allele frequency in the population database gnomAD v2.1 is 0.007% (7/102,236 alleles) in the European (non-Finnish) population. This variant has been reported in at least one proband with suspected cerebral autosomal dominant arteriopathy with subcortical infarcts and leukoencephalopathy and one individual with a neurodegenerative disorder (PMID: 27881154, 28003435). Multiple lines of computational evidence have conflicting predictions for the missense substitution (4/5 algorithms predict benign). Based on the classification scheme RMH Modified ACMG Guidelines v1.5.1, this variant is classified as a VARIANT OF UNCERTAIN SIGNIFICANCE. Following criteria are met: none.

Literature cited by the submitters: PubMed 27881154 (cited by Molecular Genetics, Royal Melbourne Hospital); PubMed 28003435 (cited by Molecular Genetics, Royal Melbourne Hospital).

NM_000435.3(NOTCH3):c.3806G>T (p.Gly1269Val)

Gene: NOTCH3 (notch receptor 3; minus strand). Cytogenetic location: 19p13.12.
Variant type: single nucleotide variant.
Coding change: c.3806G>T on transcript NM_000435.3 (MANE Select); coding-DNA position 3806, G replaced by T.
Protein change: p.Gly1269Val; replaces glycine 1269 with valine.
Molecular consequence: missense variant.
Genome position (GRCh38, 1-based): chr19:15,178,854, C>A on the plus strand (G>T on the coding strand, the complement: NOTCH3 is on the minus strand). VCF-style: chr19-15178854-C-A. GRCh37 (hg19) VCF-style: chr19-15289665-C-A.
Other names: p.Gly1269Val; short protein forms G1269V.
Identifiers: ClinVar variation 1335332 (VCV001335332.40), dbSNP rs781401262, ClinGen allele CA9262975.
Genomic context (GRCh38, chr19:15,178,854, plus strand): 5'-CTCCTCCAAAGGCCGCCACCCACACCTACCTGGGCACAGTGACAGGTGAAGGTCAGCCCA[C>A]CCCCAGGACCCGGGCTAGGACGGCACTGGCCTCCATGCTGGCATGGCTGGGACTCGCAGG-3'
Protein context (NP_000426.2, residues 1259-1279): GQCRPSPGPG[Gly1269Val]GLTFTCHCAQ